The following is an entry in ClinVar:

ClinVar aggregate classification (germline): Uncertain significance (0 of 4 stars; one submission).

Allele frequency attached by ClinVar (database versions not stated): gnomAD exomes below 0.00001.
gnomAD v4.1: 1 of 1,551,406 alleles (0.000064%); highest among the groups gnomAD compares: Non-Finnish European, 0.000087%; no homozygotes.

Submission:

Department of Pathology and Laboratory Medicine, Sinai Health System
Classification: Uncertain significance. Review status: no assertion criteria provided. Collection method: clinical testing. Allele origin: unknown. Affected: yes. Study: The Canadian Open Genetics Repository (COGR).
Comment: The GREB1L p.Ile137Leu variant was not identified in the literature nor was it identified in dbSNP, ClinVar, Cosmic, LOVD 3.0 or in the following control databases: the 1000 Genomes Project, the NHLBI GO Exome Sequencing Project, the Exome Aggregation Consortium (August 8th 2016), or the Genome Aggregation Database (Feb 27, 2017). The p.Ile137 residue is conserved in mammals but not in more distantly related organisms however four out of five computational analyses (PolyPhen-2, SIFT, AlignGVGD, BLOSUM) do not suggest a high likelihood of impact to the protein; this information is not predictive enough to rule out pathogenicity. The variant occurs outside of the splicing consensus sequence and in silico or computational prediction software programs (SpliceSiteFinder, MaxEntScan, NNSPLICE, GeneSplicer) do not predict a difference in splicing. In summary, based on the above information the clinical significance of this variant cannot be determined with certainty at this time. This variant is classified as a variant of uncertain significance.

NM_001142966.3(GREB1L):c.409A>C (p.Ile137Leu)

Genes: GREB1L (GREB1 like retinoic acid receptor coactivator; plus strand), GREB1L-AS1 (GREB1L antisense RNA 1; minus strand). Cytogenetic location: 18q11.1.
Variant type: single nucleotide variant.
Coding change: c.409A>C on transcript NM_001142966.3 (MANE Select); coding-DNA position 409, A replaced by C.
Protein change: p.Ile137Leu; replaces isoleucine 137 with leucine.
Molecular consequence: missense variant.
Genome position (GRCh38, 1-based): chr18:21,395,438, A>C. VCF-style: chr18-21395438-A-C. GRCh37 (hg19) VCF-style: chr18-18975399-A-C.
Other names: short protein forms I137L.
Identifiers: ClinVar variation 1050304 (VCV001050304.1), dbSNP rs2041014360, ClinGen allele CA401795516.